The following is an entry in ClinVar:

NM_006308.3(HSPB3):c.244C>G (p.Pro82Ala)

Gene: HSPB3 (heat shock protein family B (small) member 3; plus strand). Cytogenetic location: 5q11.2.
Variant type: single nucleotide variant.
Coding change: c.244C>G on transcript NM_006308.3 (MANE Select); coding-DNA position 244, C replaced by G.
Protein change: p.Pro82Ala; replaces proline 82 with alanine.
Molecular consequence: missense variant.
Genome position (GRCh38, 1-based): chr5:54,456,033, C>G. VCF-style: chr5-54456033-C-G. GRCh37 (hg19) VCF-style: chr5-53751863-C-G.
Other names: short protein forms P82A.
Identifiers: ClinVar variation 4766444 (VCV004766444.1).

ClinVar aggregate classification (germline): Uncertain significance (1 of 4 stars; one submission).

Conditions:
Neuronopathy, distal hereditary motor, type 2C. Also called: HMN IIC; NEUROPATHY, DISTAL HEREDITARY MOTOR, AUTOSOMAL DOMINANT 4; NEURONOPATHY, DISTAL HEREDITARY MOTOR, HARDING TYPE IIC; NEUROPATHY, DISTAL HEREDITARY MOTOR, HARDING TYPE IIC. Identifiers: Orphanet 139525, MedGen C3150619, MONDO:0013243, OMIM 613376.

Submission:

Labcorp Genetics (formerly Invitae), Labcorp
Classification: Uncertain significance for Neuronopathy, distal hereditary motor, type 2C. Last evaluated: 2025-04-09. Review status: criteria provided, single submitter. Criteria: Invitae Variant Classification Sherloc (09022015). Collection method: clinical testing. Allele origin: germline.
Comment: This sequence change replaces proline, which is neutral and non-polar, with alanine, which is neutral and non-polar, at codon 82 of the HSPB3 protein (p.Pro82Ala). This variant is not present in population databases (gnomAD no frequency). This variant has not been reported in the literature in individuals affected with HSPB3-related conditions. An algorithm developed to predict the effect of missense changes on protein structure and function (PolyPhen-2) suggests that this variant is likely to be disruptive. In summary, the available evidence is currently insufficient to determine the role of this variant in disease. Therefore, it has been classified as a Variant of Uncertain Significance.